The following is an entry in ClinVar:

NM_000051.4(ATM):c.2269G>A (p.Gly757Arg)

Gene: ATM (ATM serine/threonine kinase; plus strand). Cytogenetic location: 11q22.3.
Variant type: single nucleotide variant.
Coding change: c.2269G>A on transcript NM_000051.4 (MANE Select); coding-DNA position 2269, G replaced by A.
Protein change: p.Gly757Arg; replaces glycine 757 with arginine.
Molecular consequence: missense variant.
Genome position (GRCh38, 1-based): chr11:108,257,499, G>A. VCF-style: chr11-108257499-G-A. GRCh37 (hg19) VCF-style: chr11-108128226-G-A.
Other names: p.G757R:GGA>AGA; c.2269G>A, p.Gly757Arg (NM_001351834.2); short protein forms G757R.
Identifiers: ClinVar variation 127345 (VCV000127345.29), dbSNP rs587779819, ClinGen allele CA286744.

ClinVar aggregate classification (germline): Uncertain significance. Review status: criteria provided, multiple submitters, no conflicts (2 of 4 stars). 12 submissions from 12 submitters: Uncertain significance (11). 1 of the submissions does not count toward it. Last evaluated 2025-08-05.

Conditions:
Familial cancer of breast. Also called: hereditary breast carcinoma; Hereditary breast cancer; BREAST CANCER, FAMILIAL. Identifiers: Orphanet 227535, MedGen C0346153, MONDO:0016419, OMIM 114480. Disease mechanism: loss of function.
Ataxia-telangiectasia syndrome (AT). Also called: Cerebello-oculocutaneous telangiectasia; Immunodeficiency with ataxia telangiectasia; Ataxia-telangiectasia; LOUIS-BAR SYNDROME; Ataxia telangiectasia (A-T); Ataxia-telangiectasia, complementation group D. Identifiers: Orphanet 100, MedGen C0004135, MONDO:0008840, OMIM 208900.
Hereditary cancer-predisposing syndrome. Also called: Tumor predisposition; Hereditary neoplastic syndrome; Neoplastic Syndromes, Hereditary; Hereditary Cancer Syndrome. Identifiers: Orphanet 140162, MedGen C0027672, MeSH D009386, MONDO:0015356.

Allele frequency attached by ClinVar (database versions not stated): ExAC 0.00001; gnomAD 0.00001; gnomAD exomes 0.00001; TOPMed 0.00001.
gnomAD v4.1: 18 of 1,613,196 alleles (0.0011%); highest among the groups gnomAD compares: Non-Finnish European, 0.0015%; no homozygotes.

Submissions (12):

Ambry Genetics
Classification: Uncertain significance for Hereditary cancer-predisposing syndrome. Last evaluated: 2025-08-05. Review status: criteria provided, single submitter. Criteria: Ambry Variant Classification Scheme 2023. Collection method: clinical testing. Allele origin: germline.
Comment: The p.G757R variant (also known as c.2269G>A), located in coding exon 14 of the ATM gene, results from a G to A substitution at nucleotide position 2269. The glycine at codon 757 is replaced by arginine, an amino acid with dissimilar properties. This amino acid position is highly conserved in available vertebrate species. In addition, this alteration is predicted to be deleterious by in silico analysis. Based on the available evidence, the clinical significance of this variant remains unclear.

Labcorp Genetics (formerly Invitae), Labcorp
Classification: Uncertain significance for Ataxia-telangiectasia syndrome. Last evaluated: 2025-01-17. Review status: criteria provided, single submitter. Criteria: Invitae Variant Classification Sherloc (09022015). Collection method: clinical testing. Allele origin: germline.
Comment: This sequence change replaces glycine, which is neutral and non-polar, with arginine, which is basic and polar, at codon 757 of the ATM protein (p.Gly757Arg). This variant is present in population databases (rs587779819, gnomAD 0.002%). This missense change has been observed in individual(s) with a personal or family history of breast and/or ovarian cancer (PMID: 31159747, 32830346, 34204722, 36099812). ClinVar contains an entry for this variant (Variation ID: 127345). Invitae Evidence Modeling of protein sequence and biophysical properties (such as structural, functional, and spatial information, amino acid conservation, physicochemical variation, residue mobility, and thermodynamic stability) has been performed for this missense variant. However, the output from this modeling did not meet the statistical confidence thresholds required to predict the impact of this variant on ATM protein function. RNA analysis performed to evaluate the impact of this missense change on mRNA splicing indicates it does not significantly alter splicing (internal data). In summary, the available evidence is currently insufficient to determine the role of this variant in disease. Therefore, it has been classified as a Variant of Uncertain Significance.

Blueprint Genetics
Classification: Uncertain significance. Last evaluated: 2024-02-21. Review status: criteria provided, single submitter. Criteria: ACMG Guidelines, 2015. Collection method: clinical testing. Allele origin: germline.

Color Diagnostics, LLC DBA Color Health
Classification: Uncertain significance for Hereditary cancer-predisposing syndrome. Last evaluated: 2023-10-17. Review status: criteria provided, single submitter. Criteria: ACMG Guidelines, 2015. Collection method: clinical testing. Allele origin: germline.
Comment: This missense variant replaces glycine with arginine at codon 757 of the ATM protein. Computational prediction suggests that this variant may not impact protein structure and function (internally defined REVEL score threshold <= 0.5, PMID: 27666373). To our knowledge, functional studies have not been performed for this variant. In a large international case-control study, this variant was reported in 4/60462 breast cancer cases and 3/53458 controls (PMID: 33471991). This variant was also reported in an individual referred for hereditary cancer genetic testing (PMID: 31159747) and an individual with a strong family history of breast cancer (PMID: 34204722). This variant has been identified in 4/282484 chromosomes in the general population by the Genome Aggregation Database (gnomAD). The available evidence is insufficient to determine the role of this variant in disease conclusively. Therefore, this variant is classified as a Variant of Uncertain Significance.

Baylor Genetics
Classification: Uncertain significance for Familial cancer of breast. Last evaluated: 2023-09-04. Review status: criteria provided, single submitter. Criteria: ACMG Guidelines, 2015. Collection method: clinical testing. Allele origin: unknown.

Women's Health and Genetics/Laboratory Corporation of America, LabCorp
Classification: Uncertain significance. Last evaluated: 2023-08-04. Review status: criteria provided, single submitter. Criteria: LabCorp Variant Classification Summary - May 2015. Collection method: clinical testing. Allele origin: germline.
Comment: Variant summary: ATM c.2269G>A (p.Gly757Arg) results in a non-conservative amino acid change in the encoded protein sequence. Five of five in-silico tools predict a damaging effect of the variant on protein function. The variant allele was found at a frequency of 1.2e-05 in 251080 control chromosomes. The available data on variant occurrences in the general population are insufficient to allow any conclusion about variant significance. c.2269G>A has been reported in the literature in individuals affected with or at risk for hereditary cancers (e.g. Tsaousis_2019, Smith_2021, Fonfria_2021) and one individual with primary ovarian insufficiency (e.g. Heddar_2022). In all cases, the authors classified the alteration as a VUS. Therefore, these reports do not provide unequivocal conclusions about association of the variant with Ataxia-Telangiectasia (AT) and/or AT-related cancers. To our knowledge, no experimental evidence demonstrating an impact on protein function has been reported. The following publications have been ascertained in the context of this evaluation (PMID: 34204722, 36099812, 32830346, 31159747). Nine submitters have cited clinical-significance assessments for this variant to ClinVar after 2014. All submitters classified the variant as uncertain significance. Based on the evidence outlined above, the variant was classified as uncertain significance.

GeneDx
Classification: Uncertain significance. Last evaluated: 2022-12-05. Review status: criteria provided, single submitter. Criteria: GeneDx Variant Classification Process June 2021. Collection method: clinical testing. Allele origin: germline. Affected: yes.
Comment: Not observed at significant frequency in large population cohorts (gnomAD); In silico analysis supports that this missense variant does not alter protein structure/function; In silico analysis is inconclusive as to whether the variant alters gene splicing. In the absence of RNA/functional studies, the actual effect of this sequence change is unknown; Observed in individuals with a personal and/or family history of breast and/or ovarian cancer, as well as in unaffected controls (Tsaousis et al., 2019; Dorling et al., 2021); This variant is associated with the following publications: (PMID: 31159747, 33471991)

Sema4
Classification: Uncertain significance for Hereditary cancer-predisposing syndrome. Last evaluated: 2021-11-27. Review status: criteria provided, single submitter. Criteria: Sema4 Curation Guidelines. Collection method: curation. Allele origin: germline.
Comment: The ATM c.2269G>A (p.G757R) variant has been reported in an individual who was referred for genetic testing with a hereditary cancer panel, but the specific cancer type of the variant carrier is not reported (PMID: 31159747). Additionally, the variant was observed by a large case-control study in 4/60466 cases and in 3/53461 controls (PMID: 33471991). It was observed in 4/282484 chromosomes across all populations, in the large and broad cohorts of the Genome Aggregation Database (PMID: 32461654). The variant has been reported in ClinVar (Variation ID 127345). Functional studies have not been performed, and in silico predictions of the variant's effect on protein function are inconclusive. The evidence is insufficient to meet ACMG/AMP criteria for classifying the variant as benign or pathogenic. Thus, the clinical significance of this variant is currently uncertain.

Fulgent Genetics
Classification: Uncertain significance for Familial cancer of breast; Ataxia-telangiectasia syndrome. Last evaluated: 2021-11-11. Review status: criteria provided, single submitter. Criteria: ACMG Guidelines, 2015. Collection method: clinical testing. Allele origin: unknown.

Athena Diagnostics
Classification: Uncertain significance. Last evaluated: 2020-09-08. Review status: criteria provided, single submitter. Criteria: Athena Diagnostics criteria. Collection method: clinical testing. Allele origin: unknown.

GeneKor MSA
Classification: Uncertain significance for Hereditary cancer-predisposing syndrome. Last evaluated: 2018-08-01. Review status: criteria provided, single submitter. Criteria: ACMG Guidelines, 2015. Collection method: clinical testing. Allele origin: germline. Affected: yes.

Natera, Inc.
Classification: Uncertain significance for Ataxia-telangiectasia. Last evaluated: 2020-09-16. Review status: no assertion criteria provided. Collection method: clinical testing. Allele origin: germline. Not counted in ClinVar's aggregate classification.

Literature cited by the submitters: PubMed 31159747 (cited by 5 submitters); PubMed 32830346 (cited by Labcorp Genetics (formerly Invitae), Labcorp and Women's Health and Genetics/Laboratory Corporation of America, LabCorp); PubMed 34204722 (cited by 3 submitters); PubMed 36099812 (cited by Labcorp Genetics (formerly Invitae), Labcorp and Women's Health and Genetics/Laboratory Corporation of America, LabCorp); PubMed 33471991 (cited by Color Diagnostics, LLC DBA Color Health and Sema4).